The following is an entry in ClinVar:

NM_001384474.1(LOXHD1):c.2691G>A (p.Trp897Ter)

Gene: LOXHD1 (lipoxygenase homology PLAT domains 1; minus strand). Cytogenetic location: 18q21.1.
Variant type: single nucleotide variant.
Coding change: c.2691G>A on transcript NM_001384474.1 (MANE Select); coding-DNA position 2691, G replaced by A.
Protein change: p.Trp897Ter; replaces tryptophan 897 with a stop codon.
Molecular consequence: nonsense.
Genome position (GRCh38, 1-based): chr18:46,560,453, C>T on the plus strand (G>A on the coding strand, the complement: LOXHD1 is on the minus strand). VCF-style: chr18-46560453-C-T. GRCh37 (hg19) VCF-style: chr18-44140416-C-T.
Other names: c.2691G>A, p.Trp897Ter (NM_144612.7); short protein forms W897*.
Identifiers: ClinVar variation 1454447 (VCV001454447.6), dbSNP rs2144015428, ClinGen allele CA402371648.

ClinVar aggregate classification (germline): Pathogenic (1 of 4 stars; one submission).

Submission:

Labcorp Genetics (formerly Invitae), Labcorp
Classification: Pathogenic. Last evaluated: 2021-05-31. Review status: criteria provided, single submitter. Criteria: Invitae Variant Classification Sherloc (09022015). Collection method: clinical testing. Allele origin: germline.
Comment: This variant is not present in population databases (ExAC no frequency). This sequence change creates a premature translational stop signal (p.Trp897*) in the LOXHD1 gene. It is expected to result in an absent or disrupted protein product. Loss-of-function variants in LOXHD1 are known to be pathogenic (PMID: 19732867, 21465660, 25792669). This variant has not been reported in the literature in individuals with LOXHD1-related conditions. For these reasons, this variant has been classified as Pathogenic.

Literature cited by the submitters: PubMed 19732867; PubMed 21465660; PubMed 25792669.